The following is an entry in ClinVar:

NM_003640.5(ELP1):c.2087G>C (p.Arg696Pro)

Gene: ELP1 (elongator acetyltransferase complex subunit 1; minus strand). Cytogenetic location: 9q31.3.
Variant type: single nucleotide variant.
Coding change: c.2087G>C on transcript NM_003640.5 (MANE Select); coding-DNA position 2087, G replaced by C.
Protein change: p.Arg696Pro; replaces arginine 696 with proline.
Molecular consequence: missense variant.
Genome position (GRCh38, 1-based): chr9:108,900,303, C>G on the plus strand (G>C on the coding strand, the complement: ELP1 is on the minus strand). VCF-style: chr9-108900303-C-G. GRCh37 (hg19) VCF-style: chr9-111662583-C-G.
Other names: c.2087G>C (NM_003640.4); c.1745G>C, p.Arg582Pro (NM_001318360.2); c.1040G>C, p.Arg347Pro (NM_001330749.2); short protein forms R696P, R347P, R582P.
Identifiers: ClinVar variation 6086 (VCV000006086.35), dbSNP rs137853022, ClinGen allele CA253767.
Genomic context (GRCh38, chr9:108,900,303, plus strand): 5'-CTGAAAAACCAGCTTACCTGTAATACAAGCTTTGTGTCCTGGGGCACAACAGTGACAATC[C>G]GTGAACCCCTCTCCACTTTCCGCAGAACTTCCCCATGGGACACATGATTGCTGCTCAGGC-3'
Protein context (NP_003631.2, residues 686-706): EVLRKVERGS[Arg696Pro]IVTVVPQDTK

ClinVar aggregate classification (germline): Pathogenic/Likely pathogenic. Review status: criteria provided, multiple submitters, no conflicts (2 of 4 stars). 10 submissions from 10 submitters: Pathogenic (3); Likely pathogenic (2). 5 of the submissions do not count toward it. Last evaluated 2025-07-21.

Conditions:
Familial dysautonomia. Also called: FD; HSAN III. Identifiers: Orphanet 1764, MedGen C0013364, MONDO:0009131, OMIM 223900. Disease mechanism: loss of function.
Medulloblastoma (MDB). Also called: Medulloblastoma, somatic; MEDULLOBLASTOMA PREDISPOSITION SYNDROME. Identifiers: Orphanet 616, MedGen C0025149, MeSH D008527, MONDO:0007959, OMIM 155255, HP:0002885.
Charcot-Marie-Tooth disease. Also called: Charcot-Marie-Tooth Neuropathy; Charcot-Marie-Tooth Hereditary Neuropathy. Identifiers: Orphanet 166, MedGen C0007959, MONDO:0015626.

gnomAD v4.1: 4 of 1,614,160 alleles (0.00025%); no homozygotes.

Submissions (10):

Natera, Inc.
Classification: Likely pathogenic for Familial dysautonomia. Last evaluated: 2025-07-21. Review status: criteria provided, single submitter. Criteria: Natera Variant Classification Schema (03/2026). Collection method: clinical testing. Allele origin: germline.
Comment: The c.2087G>C variant in ELP1 is a missense variant predicted to cause substitution of arginine to proline at amino acid 696. This variant is rare in the general population with a frequency below the threshold expected for the associated phenotype(s). This variant has been observed in one or more individuals affected with the associated recessive disease, as either homozygous or compound heterozygous with a second variant (PMID: 11179008, 11179021). Computational prediction algorithms indicate this variant is likely to affect gene or protein function. Given the available evidence, this variant is classified as Likely Pathogenic.

Fulgent Genetics
Classification: Pathogenic for Medulloblastoma; Familial dysautonomia. Last evaluated: 2024-01-09. Review status: criteria provided, single submitter. Criteria: ACMG Guidelines, 2015. Collection method: clinical testing. Allele origin: germline.

Labcorp Genetics (formerly Invitae), Labcorp
Classification: Pathogenic. Last evaluated: 2024-01-03. Review status: criteria provided, single submitter. Criteria: Invitae Variant Classification Sherloc (09022015). Collection method: clinical testing. Allele origin: germline.
Comment: This sequence change replaces arginine, which is basic and polar, with proline, which is neutral and non-polar, at codon 696 of the ELP1 protein (p.Arg696Pro). This variant is not present in population databases (gnomAD no frequency). This missense change has been observed in individual(s) with familial dysautonomia (PMID: 11179008, 11179021, 12116234). In at least one individual the data is consistent with being in trans (on the opposite chromosome) from a pathogenic variant. It is commonly reported in individuals of Ashkenazi Jewish ancestry (PMID: 11179008, 11179021, 12116234). ClinVar contains an entry for this variant (Variation ID: 6086). Advanced modeling of protein sequence and biophysical properties (such as structural, functional, and spatial information, amino acid conservation, physicochemical variation, residue mobility, and thermodynamic stability) performed at Invitae indicates that this missense variant is expected to disrupt ELP1 protein function with a positive predictive value of 80%. Experimental studies have shown that this missense change affects ELP1 function (PMID: 11179021). For these reasons, this variant has been classified as Pathogenic.

Women's Health and Genetics/Laboratory Corporation of America, LabCorp
Classification: Pathogenic for Familial dysautonomia. Last evaluated: 2021-12-13. Review status: criteria provided, single submitter. Criteria: LabCorp Variant Classification Summary - May 2015. Collection method: clinical testing. Allele origin: germline.
Comment: Variant summary: IKBKAP c.2087G>C (p.Arg696Pro) results in a non-conservative amino acid change in the encoded protein sequence. Four of five in-silico tools predict a damaging effect of the variant on protein function. The variant allele was found at a frequency of 1.2e-05 in 259280 control chromosomes (gnomAD and publication data). c.2087G>C has been reported in the literature in multiple individuals affected with Familial Dysautonomia (Slaugenhaupt_2001, Anderson_2001, Gutirrez_2017). These data indicate that the variant is very likely to be associated with disease. At least one function study reports experimental evidence evaluating an impact on protein function, however, does not allow convincing conclusions about the variant effect (Anderson_2001). Four ClinVar submitters (evaluation after 2014) cite the variant as pathogenic (n=3) and likely pathogenic (n=1). Based on the evidence outlined above, the variant was classified as pathogenic.

Myriad Genetics, Inc.
Classification: Likely pathogenic for Familial dysautonomia. Last evaluated: 2019-12-09. Review status: criteria provided, single submitter. Criteria: Myriad Women's Health Autosomal Recessive and X-Linked Classification Criteria (2019). Collection method: clinical testing. Allele origin: unknown.
Comment: NM_003640.3(IKBKAP):c.2087G>C(R696P) is classified as likely pathogenic in the context of familial dysautonomia. Sources cited for classification include the following: PMID 11179008 and 11179021. Classification of NM_003640.3(IKBKAP):c.2087G>C(R696P) is based on the following criteria: This variant has been observed more frequently in patients with clinical diagnoses than in healthy populations. Please note: this variant was assessed in the context of healthy population screening.

OMIM
Classification: Pathogenic for DYSAUTONOMIA, FAMILIAL. Last evaluated: 2002-07-01. Review status: no assertion criteria provided. Collection method: literature only. Allele origin: germline. Not counted in ClinVar's aggregate classification.

Clinical Genetics, Academic Medical Center
Classification: Pathogenic. Review status: no assertion criteria provided. Collection method: clinical testing. Allele origin: germline. Affected: yes. Study: VKGL Data-share Consensus. Not counted in ClinVar's aggregate classification.

Diagnostic Laboratory, Department of Genetics, University Medical Center Groningen
Classification: Pathogenic for Familial dysautonomia. Review status: no assertion criteria provided. Collection method: clinical testing. Allele origin: germline. Affected: yes. Study: VKGL Data-share Consensus. Not counted in ClinVar's aggregate classification.

GeneReviews
No classification provided. Condition: Familial dysautonomia. Review status: no classification provided. Collection method: literature only. Allele origin: germline. Not counted in ClinVar's aggregate classification.
Comment: A rare variant identified in Ashkenazi Jews

Inherited Neuropathy Consortium
Classification: Uncertain significance for Charcot-Marie-Tooth disease. Review status: no assertion criteria provided. Collection method: literature only. Allele origin: germline. Affected: yes. Not counted in ClinVar's aggregate classification.

Literature cited by the submitters: PubMed 11179008 (cited by 5 submitters); PubMed 11179021 (cited by 6 submitters); PubMed 12116234 (cited by 4 submitters); PubMed 22975760 (cited by Women's Health and Genetics/Laboratory Corporation of America, LabCorp); PubMed 29289840 (cited by Women's Health and Genetics/Laboratory Corporation of America, LabCorp).